The following is an entry in ClinVar:

ClinVar aggregate classification (germline): Benign (0 of 4 stars; one submission).

Conditions:
TMEM132D-related disorder. Also called: TMEM132D-related condition.

Allele frequency attached by ClinVar (database versions not stated): 1000 Genomes Project 0.64417; 1000 Genomes Project 30x 0.64694; ExAC 0.66870; TOPMed 0.67149; gnomAD 0.67231; ESP Exome Variant Server 0.67630; gnomAD exomes 0.68132.
gnomAD v4.1: 1,097,655 of 1,612,592 alleles (68%); highest among the groups gnomAD compares: Middle Eastern, 70%; 374,632 homozygotes.

Submission:

PreventionGenetics, part of Exact Sciences
Classification: Benign for TMEM132D-related condition. Last evaluated: 2019-10-17. Review status: no assertion criteria provided. Collection method: clinical testing. Allele origin: germline.
Comment: This variant is classified as benign based on ACMG/AMP sequence variant interpretation guidelines (Richards et al. 2015 PMID: 25741868, with internal and published modifications).

NM_133448.3(TMEM132D):c.2163G>A (p.Thr721=)

Gene: TMEM132D (transmembrane protein 132D; minus strand). Cytogenetic location: 12q24.33.
Variant type: single nucleotide variant.
Coding change: c.2163G>A on transcript NM_133448.3 (MANE Select); coding-DNA position 2163, G replaced by A.
Protein change: p.Thr721=; no amino-acid change (threonine 721 retained).
Molecular consequence: synonymous variant.
Genome position (GRCh38, 1-based): chr12:129,075,012, C>T on the plus strand (G>A on the coding strand, the complement: TMEM132D is on the minus strand). VCF-style: chr12-129075012-C-T. GRCh37 (hg19) VCF-style: chr12-129559557-C-T.
Identifiers: ClinVar variation 3061009 (VCV003061009.2), dbSNP rs10773594, ClinGen allele CA6875846.
Genomic context (GRCh38, chr12:129,075,012, plus strand): 5'-CTTCTCATCCAAAGATGTGGCCATCAAGGAGAAGTCTTTCCCATCGTAAATATCCAAGGG[C>T]GTGACTGAGCCATCACTGAACTGGACCCAGCAACTGATGGCTGCTTCCTATGGAGAAAAA-3'
Protein context (NP_597705.2, residues 711-731): CWVQFSDGSV[Thr721=]PLDIYDGKDF